The following is an entry in ClinVar:

ClinVar aggregate classification (germline): Uncertain significance (1 of 4 stars; one submission).

Submission:

Ambry Genetics
Classification: Uncertain significance. Last evaluated: 2025-02-08. Review status: criteria provided, single submitter. Criteria: Ambry Variant Classification Scheme 2023. Collection method: clinical testing. Allele origin: germline.
Comment: The p.N258S variant (also known as c.773A>G), located in coding exon 1 of the CDK12 gene, results from an A to G substitution at nucleotide position 773. The asparagine at codon 258 is replaced by serine, an amino acid with highly similar properties. This amino acid position is conserved. In addition, this alteration is predicted to be tolerated by in silico analysis. Based on the available evidence, the clinical significance of this variant remains unclear.

NM_016507.4(CDK12):c.773A>G (p.Asn258Ser)

Genes: CDK12 (cyclin dependent kinase 12; plus strand), LOC126862553 (CDK7 strongly-dependent group 2 enhancer GRCh37_chr17:37618166-37619365; plus strand). Cytogenetic location: 17q12.
Variant type: single nucleotide variant.
Coding change: c.773A>G on transcript NM_016507.4 (MANE Select); coding-DNA position 773, A replaced by G.
Protein change: p.Asn258Ser; replaces asparagine 258 with serine.
Molecular consequence: missense variant.
Genome position (GRCh38, 1-based): chr17:39,462,844, A>G. VCF-style: chr17-39462844-A-G. GRCh37 (hg19) VCF-style: chr17-37619097-A-G.
Other names: c.773A>G, p.Asn258Ser (NM_015083.4); short protein forms N258S.
Identifiers: ClinVar variation 3830630 (VCV003830630.1).